The following is an entry in ClinVar:

NM_015215.4(CAMTA1):c.4651G>A (p.Ala1551Thr)

Gene: CAMTA1 (calmodulin binding transcription activator 1; plus strand). Cytogenetic location: 1p36.23.
Variant type: single nucleotide variant.
Coding change: c.4651G>A on transcript NM_015215.4 (MANE Select); coding-DNA position 4651, G replaced by A.
Protein change: p.Ala1551Thr; replaces alanine 1551 with threonine.
Molecular consequence: missense variant.
Genome position (GRCh38, 1-based): chr1:7,747,743, G>A. VCF-style: chr1-7747743-G-A. GRCh37 (hg19) VCF-style: chr1-7807803-G-A.
Other names: c.4561G>A, p.Ala1521Thr (NM_001349608.2); c.4312G>A, p.Ala1438Thr (NM_001349609.2, NM_001349610.2, NM_001410737.1); c.4222G>A, p.Ala1408Thr (NM_001349612.2); c.1780G>A, p.Ala594Thr (NM_001349613.1); c.1723G>A, p.Ala575Thr (NM_001349614.1, NM_001349615.2, NM_001349616.2 and 2 more transcripts); c.1384G>A, p.Ala462Thr (NM_001349619.2, NM_001349620.1, NM_001349621.1 and 5 more transcripts); c.4240G>A, p.Ala1414Thr (NM_001410738.1); short protein forms A1408T, A1438T, A462T, A1414T, A1521T, A594T, A1551T, A575T.
Identifiers: ClinVar variation 3667228 (VCV003667228.2).

ClinVar aggregate classification (germline): Uncertain significance (1 of 4 stars; one submission).

gnomAD v4.1: 1 of 1,612,994 alleles (0.000062%); highest among the groups gnomAD compares: Non-Finnish European, 0.000085%; no homozygotes.

Submission:

Labcorp Genetics (formerly Invitae), Labcorp
Classification: Uncertain significance. Last evaluated: 2024-11-27. Review status: criteria provided, single submitter. Criteria: Invitae Variant Classification Sherloc (09022015). Collection method: clinical testing. Allele origin: germline.
Comment: This sequence change replaces alanine, which is neutral and non-polar, with threonine, which is neutral and polar, at codon 1551 of the CAMTA1 protein (p.Ala1551Thr). This variant is not present in population databases (gnomAD no frequency). This variant has not been reported in the literature in individuals affected with CAMTA1-related conditions. Invitae Evidence Modeling of protein sequence and biophysical properties (such as structural, functional, and spatial information, amino acid conservation, physicochemical variation, residue mobility, and thermodynamic stability) has been performed for this missense variant. However, the output from this modeling did not meet the statistical confidence thresholds required to predict the impact of this variant on CAMTA1 protein function. In summary, the available evidence is currently insufficient to determine the role of this variant in disease. Therefore, it has been classified as a Variant of Uncertain Significance.